The following is an entry in ClinVar:

NM_001370259.2(MEN1):c.1376G>A (p.Ser459Asn)

Gene: MEN1 (menin 1; minus strand). Cytogenetic location: 11q13.1.
Variant type: single nucleotide variant.
Coding change: c.1376G>A on transcript NM_001370259.2 (MANE Select); coding-DNA position 1376, G replaced by A.
Protein change: p.Ser459Asn; replaces serine 459 with asparagine.
Molecular consequence: missense variant.
Genome position (GRCh38, 1-based): chr11:64,804,791, C>T on the plus strand (G>A on the coding strand, the complement: MEN1 is on the minus strand). VCF-style: chr11-64804791-C-T. GRCh37 (hg19) VCF-style: chr11-64572263-C-T.
Other names: c.1391G>A, p.Ser464Asn (NM_000244.4, NM_130800.3, NM_130801.3 and 3 more transcripts); c.1502G>A, p.Ser501Asn (NM_001370251.2); c.1376G>A, p.Ser459Asn (NM_001370260.2, NM_001370261.2, NM_130799.3); c.1271G>A, p.Ser424Asn (NM_001370262.2, NM_001370263.2); short protein forms S459N, S464N, S501N, S424N.
Identifiers: ClinVar variation 560775 (VCV000560775.7), dbSNP rs1565638856, ClinGen allele CA381179819.
Genomic context (GRCh38, chr11:64,804,791, plus strand): 5'-CGGCCTTCCCGGGCTTCCTCGCCCCACGGCTCCTCGGCCTCGGCCGCCTCGGCCTCTCGG[C>T]TCACTATGCGCACCTTCTGCCGCACCTGGGCCAGTGGGGAGAGCAAGGTGAGAGCAAGGT-3'
Protein context (NP_001357188.2, residues 449-469): GQVRQKVRIV[Ser459Asn]REAEAAEAEE

ClinVar aggregate classification (germline): Uncertain significance. Review status: criteria provided, multiple submitters, no conflicts (2 of 4 stars). 2 submissions from 2 submitters: Uncertain significance (2). Last evaluated 2018-01-08.

Conditions:
Hereditary cancer-predisposing syndrome. Also called: Hereditary neoplastic syndrome; Neoplastic Syndromes, Hereditary; Tumor predisposition; Hereditary Cancer Syndrome. Identifiers: Orphanet 140162, MedGen C0027672, MeSH D009386, MONDO:0015356.

Allele frequency attached by ClinVar (database versions not stated): gnomAD exomes below 0.00001.
gnomAD v4.1: 3 of 1,597,332 alleles (0.00019%); highest among the groups gnomAD compares: Non-Finnish European, 0.00025%; no homozygotes.

Submissions (2):

Ambry Genetics
Classification: Uncertain significance for Hereditary cancer-predisposing syndrome. Last evaluated: 2018-01-08. Review status: criteria provided, single submitter. Criteria: Ambry Variant Classification Scheme 2023. Collection method: clinical testing. Allele origin: germline.
Comment: The p.S459N variant (also known as c.1376G>A), located in coding exon 9 of the MEN1 gene, results from a G to A substitution at nucleotide position 1376. The serine at codon 459 is replaced by asparagine, an amino acid with highly similar properties. This amino acid position is highly conserved through mammals but not in all available vertebrate species. In addition, the in silico prediction for this alteration is inconclusive. Since supporting evidence is limited at this time, the clinical significance of this alteration remains unclear.

PreventionGenetics, part of Exact Sciences
Classification: Uncertain significance. Last evaluated: 2017-12-19. Review status: criteria provided, single submitter. Criteria: ACMG Guidelines, 2015. Collection method: clinical testing. Allele origin: germline.